The following is an entry in ClinVar:

ClinVar aggregate classification (germline): Uncertain significance (1 of 4 stars; one submission).

Conditions:
Neurofibromatosis, type 1 (NF1). Also called: VON RECKLINGHAUSEN DISEASE; NEUROFIBROMATOSIS, TYPE I, SOMATIC; Peripheral type neurofibromatosis; Neurofibromatosis, type I. Identifiers: Orphanet 636, MedGen C0027831, MONDO:0018975, OMIM 162200. Disease mechanism: loss of function.

Submission:

Labcorp Genetics (formerly Invitae), Labcorp
Classification: Uncertain significance for Neurofibromatosis, type 1. Last evaluated: 2017-06-17. Review status: criteria provided, single submitter. Criteria: Invitae Variant Classification Sherloc (09022015). Collection method: clinical testing. Allele origin: germline.
Comment: This variant has not been reported in the literature in individuals with a NF1-related disease. This variant is not present in population databases (ExAC no frequency). This sequence change replaces leucine with valine at codon 1080 of the NF1 protein (p.Leu1080Val). The leucine residue is moderately conserved and there is a small physicochemical difference between leucine and valine. Algorithms developed to predict the effect of missense changes on protein structure and function do not agree on the potential impact of this missense change (SIFT: "Tolerated"; PolyPhen-2: "Probably Damaging"; Align-GVGD: "Class C0"). In summary, this variant has uncertain impact on NF1 function. The available evidence is currently insufficient to determine its role in disease. Therefore, it has been classified as a Variant of Uncertain Significance.

NM_001042492.3(NF1):c.3238C>G (p.Leu1080Val)

Gene: NF1 (neurofibromin 1; plus strand). Cytogenetic location: 17q11.2.
Variant type: single nucleotide variant.
Coding change: c.3238C>G on transcript NM_001042492.3 (MANE Select); coding-DNA position 3238, C replaced by G.
Protein change: p.Leu1080Val; replaces leucine 1080 with valine.
Molecular consequence: missense variant.
Genome position (GRCh38, 1-based): chr17:31,232,113, C>G. VCF-style: chr17-31232113-C-G. GRCh37 (hg19) VCF-style: chr17-29559131-C-G.
Other names: c.3238C>G, p.Leu1080Val (NM_000267.4); short protein forms L1080V.
Identifiers: ClinVar variation 457635 (VCV000457635.7), dbSNP rs1555614832, ClinGen allele CA398988755.